The following is an entry in ClinVar:

NM_031935.3(HMCN1):c.2737C>G (p.Leu913Val)

Gene: HMCN1 (hemicentin 1; plus strand). Cytogenetic location: 1q31.1.
Variant type: single nucleotide variant.
Coding change: c.2737C>G on transcript NM_031935.3 (MANE Select); coding-DNA position 2737, C replaced by G.
Protein change: p.Leu913Val; replaces leucine 913 with valine.
Molecular consequence: missense variant.
Genome position (GRCh38, 1-based): chr1:185,982,336, C>G. VCF-style: chr1-185982336-C-G. GRCh37 (hg19) VCF-style: chr1-185951468-C-G.
Other names: short protein forms L913V.
Identifiers: ClinVar variation 4707372 (VCV004707372.1).

ClinVar aggregate classification (germline): Uncertain significance (1 of 4 stars; one submission).

gnomAD v4.1: 1 of 1,613,476 alleles (0.000062%); highest among the groups gnomAD compares: Non-Finnish European, 0.000085%; no homozygotes.

Submission:

Labcorp Genetics (formerly Invitae), Labcorp
Classification: Uncertain significance. Last evaluated: 2025-05-14. Review status: criteria provided, single submitter. Criteria: Invitae Variant Classification Sherloc (09022015). Collection method: clinical testing. Allele origin: germline.
Comment: This sequence change replaces leucine, which is neutral and non-polar, with valine, which is neutral and non-polar, at codon 913 of the HMCN1 protein (p.Leu913Val). This variant is present in population databases (no rsID available, gnomAD 0.0009%). This variant has not been reported in the literature in individuals affected with HMCN1-related conditions. An algorithm developed to predict the effect of missense changes on protein structure and function (PolyPhen-2) suggests that this variant is likely to be disruptive. In summary, the available evidence is currently insufficient to determine the role of this variant in disease. Therefore, it has been classified as a Variant of Uncertain Significance.